The following is an entry in ClinVar:

NM_014425.5(INVS):c.2801del (p.Lys934fs)

Gene: INVS (inversin; plus strand). Cytogenetic location: 9q31.1.
Variant type: Deletion.
Coding change: c.2801del on transcript NM_014425.5 (MANE Select); coding-DNA position 2801, one base deleted (A; older notation c.2801delA).
Protein change: p.Lys934fs; shifts the reading frame from lysine 934.
Molecular consequence: frameshift variant. On other transcripts: non-coding transcript variant (1).
Genome position (GRCh38, 1-based): chr9:100,296,931, A deleted; the last of 2 consecutive A bases (chr9:100,296,930-100,296,931); deleting either gives the same sequence. VCF-style (leftmost placement, unchanged base first): chr9-100296929-GA-G. GRCh37 (hg19) VCF-style: chr9-103059211-GA-G.
Other names: c.2513del, p.Lys838fs (NM_001318381.2); c.1823del, p.Lys608fs (NM_001318382.2); short protein forms K838fs, K608fs, K934fs.
Identifiers: ClinVar variation 1399574 (VCV001399574.6), dbSNP rs2118781593, ClinGen allele CA2573143644.

ClinVar aggregate classification (germline): Pathogenic (1 of 4 stars; one submission).

Conditions:
Nephronophthisis. Also called: Juvenile Nephronophthisis. Identifiers: Orphanet 655, MedGen C0687120, MONDO:0019005, HP:0000090.

Submission:

Labcorp Genetics (formerly Invitae), Labcorp
Classification: Pathogenic for Nephronophthisis. Last evaluated: 2021-11-02. Review status: criteria provided, single submitter. Criteria: Invitae Variant Classification Sherloc (09022015). Collection method: clinical testing. Allele origin: germline.
Comment: This sequence change creates a premature translational stop signal (p.Lys934Serfs*9) in the INVS gene. It is expected to result in an absent or disrupted protein product. Loss-of-function variants in INVS are known to be pathogenic (PMID: 12872123). This variant is not present in population databases (gnomAD no frequency). This variant has not been reported in the literature in individuals affected with INVS-related conditions. For these reasons, this variant has been classified as Pathogenic.

Literature cited by the submitters: PubMed 12872123.